The following is an entry in ClinVar:

NM_177531.6(PKHD1L1):c.1171C>A (p.Arg391Ser)

Gene: PKHD1L1 (PKHD1 like 1; plus strand). Cytogenetic location: 8q23.1.
Variant type: single nucleotide variant.
Coding change: c.1171C>A on transcript NM_177531.6 (MANE Select); coding-DNA position 1171, C replaced by A.
Protein change: p.Arg391Ser; replaces arginine 391 with serine.
Molecular consequence: missense variant.
Genome position (GRCh38, 1-based): chr8:109,400,234, C>A. VCF-style: chr8-109400234-C-A. GRCh37 (hg19) VCF-style: chr8-110412463-C-A.
Other names: short protein forms R391S.
Identifiers: ClinVar variation 5039854 (VCV005039854.1).

ClinVar aggregate classification (germline): Uncertain significance (1 of 4 stars; one submission).

gnomAD v4.1: 1 of 1,613,602 alleles (0.000062%); highest among the groups gnomAD compares: Non-Finnish European, 0.000085%; no homozygotes.

Submission:

CeGaT Center for Human Genetics Tuebingen
Classification: Uncertain significance. Last evaluated: 2026-07-01. Review status: criteria provided, single submitter. Criteria: CeGaT Center For Human Genetics Tuebingen Variant Classification Criteria Version 2. Collection method: clinical testing. Allele origin: germline. Affected: yes. Observed: 1 variant allele.
Comment: PKHD1L1: PM2